The following is an entry in ClinVar:

ClinVar aggregate classification (germline): Uncertain significance. Review status: criteria provided, multiple submitters, no conflicts (2 of 4 stars). 2 submissions from 2 submitters: Uncertain significance (2). Last evaluated 2024-02-28.

Conditions:
Congenital muscular dystrophy due to integrin alpha-7 deficiency. Also called: MYOPATHY, CONGENITAL, DUE TO INTEGRIN ALPHA-7 DEFICIENCY; Congenital muscular dystrophy with integrin alpha-7 deficiency; Muscular dystrophy, congenital, due to ITGA7 deficiency. Identifiers: Orphanet 34520, MedGen C2750786, MONDO:0013177, OMIM 613204.

gnomAD v4.1: 6 of 1,613,514 alleles (0.00037%); highest among the groups gnomAD compares: Admixed American, 0.01%; no homozygotes.

Submissions (2):

Ambry Genetics
Classification: Uncertain significance. Last evaluated: 2024-02-28. Review status: criteria provided, single submitter. Criteria: Ambry Variant Classification Scheme 2023. Collection method: clinical testing. Allele origin: germline.

Labcorp Genetics (formerly Invitae), Labcorp
Classification: Uncertain significance for Congenital muscular dystrophy due to integrin alpha-7 deficiency. Last evaluated: 2022-05-27. Review status: criteria provided, single submitter. Criteria: Invitae Variant Classification Sherloc (09022015). Collection method: clinical testing. Allele origin: germline.
Comment: This sequence change replaces arginine, which is basic and polar, with serine, which is neutral and polar, at codon 287 of the ITGA7 protein (p.Arg287Ser). The frequency data for this variant in the population databases is considered unreliable, as metrics indicate poor data quality at this position in the gnomAD database. This variant has not been reported in the literature in individuals affected with ITGA7-related conditions. ClinVar contains an entry for this variant (Variation ID: 1046229). Algorithms developed to predict the effect of missense changes on protein structure and function are either unavailable or do not agree on the potential impact of this missense change (SIFT: "Tolerated"; PolyPhen-2: "Possibly Damaging"; Align-GVGD: "Class C0"). In summary, the available evidence is currently insufficient to determine the role of this variant in disease. Therefore, it has been classified as a Variant of Uncertain Significance.

NM_002206.3(ITGA7):c.859C>A (p.Arg287Ser)

Gene: ITGA7 (integrin subunit alpha 7; minus strand). Cytogenetic location: 12q13.2.
Variant type: single nucleotide variant.
Coding change: c.859C>A on transcript NM_002206.3 (MANE Select); coding-DNA position 859, C replaced by A.
Protein change: p.Arg287Ser; replaces arginine 287 with serine.
Molecular consequence: missense variant. On other transcripts: 5 prime UTR variant (1).
Genome position (GRCh38, 1-based): chr12:55,698,849, G>T on the plus strand (C>A on the coding strand, the complement: ITGA7 is on the minus strand). VCF-style: chr12-55698849-G-T. GRCh37 (hg19) VCF-style: chr12-56092633-G-T.
Other names: c.871C>A, p.Arg291Ser (NM_001144996.2, NM_001414029.1, NM_001414030.1); c.580C>A, p.Arg194Ser (NM_001144997.2); c.532C>A, p.Arg178Ser (NM_001367993.1); c.-434C>A (NM_001367994.1); c.859C>A, p.Arg287Ser (NM_001374465.1, NM_001414031.1, NM_001414034.1); c.991C>A, p.Arg331Ser (NM_001410977.1); c.739C>A, p.Arg247Ser (NM_001414032.1); c.676C>A, p.Arg226Ser (NM_001414033.1); and 2 more; short protein forms R178S, R287S, R194S, R291S, R331S, R174S, R226S, R247S.
Identifiers: ClinVar variation 1046229 (VCV001046229.6), dbSNP rs563941470, ClinGen allele CA385190975.
Genomic context (GRCh38, chr12:55,698,849, plus strand): 5'-GCACCAGGCGACTGGCGCTGTCCTTGCGCAGGATGACCACAGCACCCTTGTGGTTGGCGC[G>T]GGGGGCTCCAGCCACAAAGCTCAGCTCTTCTGCACGCACCAGACCTTTCCCCGAGTCAAT-3'
Protein context (NP_002197.2, residues 277-297): EELSFVAGAP[Arg287Ser]ANHKGAVVIL